The following is an entry in ClinVar:

ClinVar aggregate classification (germline): Uncertain significance (1 of 4 stars; one submission).

Conditions:
MEGF10-related myopathy (CMYO10A). Also called: Congenital myopathy 10A, severe variant. Identifiers: Orphanet 439212, MedGen C3280679, MONDO:0013731, OMIM 614399.

Submission:

Neuberg Centre For Genomic Medicine, NCGM
Classification: Uncertain significance for MEGF10-related myopathy. Review status: criteria provided, single submitter. Criteria: ACMG Guidelines, 2015. Collection method: clinical testing. Allele origin: germline. Inheritance: Autosomal recessive inheritance. Affected: yes.
Comment: The missense variant in c.484C>G in MEGF10 gene has not been reported previously as a pathogenic variant nor as a benign variant, to our knowledge. The p.Pro162Ala variant is novel (not in any individuals) in gnomAD Exomes and 1000 Genomes. This variant has not been reported to the ClinVar database. The amino acid change p.Pro162Ala in MEGF10 is predicted as conserved by GERP++ and PhyloP across 100 vertebrates. The amino acid Pro at position 162 is changed to a Ala changing protein sequence and it might alter its composition and physico-chemical properties. For these reasons, this variant has been classified as Uncertain Significance (VUS). In the absence of another reportable variant, the molecular diagnosis is not confirmed.

NM_001256545.2(MEGF10):c.484C>G (p.Pro162Ala)

Gene: MEGF10 (multiple EGF like domains 10; plus strand). Cytogenetic location: 5q23.2.
Variant type: single nucleotide variant.
Coding change: c.484C>G on transcript NM_001256545.2 (MANE Select); coding-DNA position 484, C replaced by G.
Protein change: p.Pro162Ala; replaces proline 162 with alanine.
Molecular consequence: missense variant.
Genome position (GRCh38, 1-based): chr5:127,396,603, C>G. VCF-style: chr5-127396603-C-G. GRCh37 (hg19) VCF-style: chr5-126732295-C-G.
Other names: c.484C>G, p.Pro162Ala (NM_001308119.2, NM_001308121.2, NM_032446.3); short protein forms P162A.
Identifiers: ClinVar variation 2584932 (VCV002584932.1), dbSNP rs2479629174, ClinGen allele CA360718228.